The following is an entry in ClinVar:

ClinVar aggregate classification (germline): Pathogenic/Likely pathogenic. Review status: criteria provided, multiple submitters, no conflicts (2 of 4 stars). 4 submissions from 4 submitters: Pathogenic (3); Likely pathogenic (1). Last evaluated 2025-03-10.

Conditions:
Retinitis pigmentosa 26 (RP26). Identifiers: Orphanet 791, MedGen C1842127, MONDO:0012024, OMIM 608380.
CERKL-related disorders.

Allele frequency attached by ClinVar (database versions not stated): TOPMed 0.00002; ExAC 0.00055; gnomAD 0.00082 and 0.00084; gnomAD exomes 0.00089.
gnomAD v4.1: 570 of 1,612,986 alleles (0.035%); highest among the groups gnomAD compares: Non-Finnish European, 0.0025%; 1 homozygote.

Submissions (4):

Natera, Inc.
Classification: Pathogenic for Retinitis Pigmentosa 26. Last evaluated: 2025-03-10. Review status: criteria provided, single submitter. Criteria: Natera Variant Classification Schema (03/2026). Collection method: clinical testing. Allele origin: germline.
Comment: The c.375C>G variant in CERKL is a missense variant predicted to cause substitution of cysteine to tryptophan at amino acid 125. This variant is rare in the general population with a frequency below the threshold expected for the associated phenotype(s). This variant has been observed in one or more individuals affected with the associated recessive disease, as either homozygous or compound heterozygous with a second variant (PMID: 27208204). Computational prediction algorithms indicate this variant is likely to affect gene or protein function. Given the available evidence, this variant is classified as Pathogenic.

Labcorp Genetics (formerly Invitae), Labcorp
Classification: Likely pathogenic. Last evaluated: 2025-02-26. Review status: criteria provided, single submitter. Criteria: Invitae Variant Classification Sherloc (09022015). Collection method: clinical testing. Allele origin: germline.
Comment: This sequence change replaces cysteine, which is neutral and slightly polar, with tryptophan, which is neutral and slightly polar, at codon 125 of the CERKL protein (p.Cys125Trp). This variant is present in population databases (rs200711686, gnomAD 0.9%), and has an allele count higher than expected for a pathogenic variant. This missense change has been observed in individual(s) with inherited retinal disease (PMID: 20554613, 27208204, 29068140, 31816670). In at least one individual the data is consistent with being in trans (on the opposite chromosome) from a pathogenic variant. It has also been observed to segregate with disease in related individuals. ClinVar contains an entry for this variant (Variation ID: 866659). Invitae Evidence Modeling of protein sequence and biophysical properties (such as structural, functional, and spatial information, amino acid conservation, physicochemical variation, residue mobility, and thermodynamic stability) indicates that this missense variant is expected to disrupt CERKL protein function with a positive predictive value of 95%. Experimental studies have shown that this missense change affects CERKL function (PMID: 24498393). In summary, the currently available evidence indicates that the variant is pathogenic, but additional data are needed to prove that conclusively. Therefore, this variant has been classified as Likely Pathogenic.

Blueprint Genetics
Classification: Pathogenic for CERKL-related disorders. Last evaluated: 2024-11-13. Review status: criteria provided, single submitter. Criteria: ACMG Guidelines, 2015. Collection method: clinical testing. Allele origin: germline. Affected: yes. Observed: 5 variant alleles.

Fulgent Genetics
Classification: Pathogenic for Retinitis pigmentosa 26. Last evaluated: 2024-01-05. Review status: criteria provided, single submitter. Criteria: ACMG Guidelines, 2015. Collection method: clinical testing. Allele origin: germline.

Literature cited by the submitters: PubMed 27208204 (cited by Natera, Inc. and Labcorp Genetics (formerly Invitae), Labcorp); PubMed 20554613 (cited by Labcorp Genetics (formerly Invitae), Labcorp); PubMed 29068140 (cited by Labcorp Genetics (formerly Invitae), Labcorp); PubMed 31816670 (cited by Labcorp Genetics (formerly Invitae), Labcorp); PubMed 24498393 (cited by Labcorp Genetics (formerly Invitae), Labcorp).

NM_201548.5(CERKL):c.375C>G (p.Cys125Trp)

Gene: CERKL (CERK like autophagy regulator; minus strand). Cytogenetic location: 2q31.3.
Variant type: single nucleotide variant.
Coding change: c.375C>G on transcript NM_201548.5 (MANE Select); coding-DNA position 375, C replaced by G.
Protein change: p.Cys125Trp; replaces cysteine 125 with tryptophan.
Molecular consequence: missense variant. On other transcripts: non-coding transcript variant (2).
Genome position (GRCh38, 1-based): chr2:181,603,943, G>C on the plus strand (C>G on the coding strand, the complement: CERKL is on the minus strand). VCF-style: chr2-181603943-G-C. GRCh37 (hg19) VCF-style: chr2-182468670-G-C.
Other names: c.375C>G, p.Cys125Trp (NM_001030311.3, NM_001030312.3, NM_001030313.3 and 1 more transcripts); short protein forms C125W.
Identifiers: ClinVar variation 866659 (VCV000866659.17), dbSNP rs200711686, ClinGen allele CA2010854.